The following is an entry in ClinVar:

ClinVar aggregate classification (germline): not provided (0 of 4 stars; one submission).

Allele frequency attached by ClinVar (database versions not stated): gnomAD exomes 0.00001 and 0.00003; ExAC 0.00004; gnomAD 0.00004 and 0.00005; TOPMed 0.00005; 1000 Genomes Project 0.00040; 1000 Genomes Project 30x 0.00047.
gnomAD v4.1: 49 of 1,613,518 alleles (0.003%); highest among the groups gnomAD compares: East Asian, 0.011%; no homozygotes.

Submission:

ITMI
No classification provided. Condition: AllHighlyPenetrant. Last evaluated: 2013-09-19. Review status: no classification provided. Collection method: reference population. Allele origin: germline.
Comment: Please see associated publication for description of ethnicities

Literature cited by the submitters: PubMed 24728327.

NM_004448.4(ERBB2):c.1021+31C>T

Gene: ERBB2 (erb-b2 receptor tyrosine kinase 2; plus strand). Cytogenetic location: 17q12.
Variant type: single nucleotide variant.
Coding change: c.1021+31C>T on transcript NM_004448.4 (MANE Select); 31 bases into the intron after coding-DNA position 1021, C replaced by T.
Molecular consequence: intron variant.
Genome position (GRCh38, 1-based): chr17:39,712,078, C>T. VCF-style: chr17-39712078-C-T. GRCh37 (hg19) VCF-style: chr17-37868331-C-T.
Other names: c.931+31C>T (NM_001382782.1, NM_001005862.3, NM_001289938.2 and 1 more transcripts); c.976+31C>T (NM_001289936.2); c.1096+31C>T (NM_001382787.1); c.1021+31C>T (NM_001382784.1, NM_001382786.1, NM_001382789.1 and 16 more transcripts); c.763+31C>T (NM_001382802.1); c.841+31C>T (NM_001382799.1); c.1012+31C>T (NM_001382791.1); c.193+31C>T (NM_001382804.1).
Identifiers: ClinVar variation 135521 (VCV000135521.1), dbSNP rs374621897, ClinGen allele CA162978.